The following is an entry in ClinVar:

NM_080911.3(UNG):c.200G>A (p.Ser67Asn)

Gene: UNG (uracil DNA glycosylase; plus strand). Cytogenetic location: 12q24.11.
Variant type: single nucleotide variant.
Coding change: c.200G>A on transcript NM_080911.3 (MANE Select); coding-DNA position 200, G replaced by A.
Protein change: p.Ser67Asn; replaces serine 67 with asparagine.
Molecular consequence: missense variant.
Genome position (GRCh38, 1-based): chr12:109,098,499, G>A. VCF-style: chr12-109098499-G-A. GRCh37 (hg19) VCF-style: chr12-109536304-G-A.
Other names: c.173G>A, p.Ser58Asn (NM_003362.4); short protein forms S67N, S58N.
Identifiers: ClinVar variation 1358029 (VCV001358029.8), dbSNP rs755887246, ClinGen allele CA6772526.

ClinVar aggregate classification (germline): Uncertain significance (1 of 4 stars; one submission).

Conditions:
Hyper-IgM syndrome type 5 (HIGM5). Also called: Hyper-IgM Immunodeficiency Syndrome, Type 5. Identifiers: Orphanet 101092, MedGen C1720958, MONDO:0011971, OMIM 608106.

Allele frequency attached by ClinVar (database versions not stated): gnomAD exomes below 0.00001; TOPMed below 0.00001; ExAC 0.00001.
gnomAD v4.1: 1 of 1,612,814 alleles (0.000062%); highest among the groups gnomAD compares: East Asian, 0.0022%; no homozygotes.

Submission:

Labcorp Genetics (formerly Invitae), Labcorp
Classification: Uncertain significance for Hyper-IgM syndrome type 5. Last evaluated: 2020-12-20. Review status: criteria provided, single submitter. Criteria: Invitae Variant Classification Sherloc (09022015). Collection method: clinical testing. Allele origin: germline.
Comment: In summary, the available evidence is currently insufficient to determine the role of this variant in disease. Therefore, it has been classified as a Variant of Uncertain Significance. Algorithms developed to predict the effect of missense changes on protein structure and function are either unavailable or do not agree on the potential impact of this missense change (SIFT: "Deleterious"; PolyPhen-2: "Possibly Damaging"; Align-GVGD: "Class C0"). This variant has not been reported in the literature in individuals with UNG-related conditions. This variant is present in population databases (rs755887246, ExAC 0.01%). This sequence change replaces serine with asparagine at codon 67 of the UNG protein (p.Ser67Asn). The serine residue is highly conserved and there is a small physicochemical difference between serine and asparagine.